The following is an entry in ClinVar:

NM_014795.4(ZEB2):c.1222G>A (p.Gly408Arg)

Gene: ZEB2 (zinc finger E-box binding homeobox 2; minus strand). Cytogenetic location: 2q22.3.
Variant type: single nucleotide variant.
Coding change: c.1222G>A on transcript NM_014795.4 (MANE Select); coding-DNA position 1222, G replaced by A.
Protein change: p.Gly408Arg; replaces glycine 408 with arginine.
Molecular consequence: missense variant.
Genome position (GRCh38, 1-based): chr2:144,399,965, C>T on the plus strand (G>A on the coding strand, the complement: ZEB2 is on the minus strand). VCF-style: chr2-144399965-C-T. GRCh37 (hg19) VCF-style: chr2-145157532-C-T.
Other names: c.1150G>A, p.Gly384Arg (NM_001171653.2); short protein forms G408R, G384R.
Identifiers: ClinVar variation 572911 (VCV000572911.9), dbSNP rs770190727, ClinGen allele CA1898361.

ClinVar aggregate classification (germline): Conflicting classifications of pathogenicity. Review status: criteria provided, conflicting classifications (1 of 4 stars). 2 submissions from 2 submitters: Uncertain significance (1); Likely benign (1). Last evaluated 2026-05-05.

Conditions:
Mowat-Wilson syndrome (MOWS). Also called: Classic Mowat-Wilson Syndrome. Identifiers: Orphanet 2152, MedGen C1856113, MONDO:0009341, OMIM 235730.

Allele frequency attached by ClinVar (database versions not stated): ExAC 0.00001; gnomAD exomes 0.00001.
gnomAD v4.1: 15 of 1,614,194 alleles (0.00093%); highest among the groups gnomAD compares: Admixed American, 0.0017%; no homozygotes.

Submissions (2):

Women's Health and Genetics/Laboratory Corporation of America, LabCorp
Classification: Uncertain significance. Last evaluated: 2026-05-05. Review status: criteria provided, single submitter. Criteria: LabCorp Variant Classification Summary - May 2015. Collection method: clinical testing. Allele origin: germline.
Comment: Variant summary: ZEB2 c.1222G>A (p.Gly408Arg) results in a non-conservative amino acid change in the encoded protein sequence. Algorithms developed to predict the effect of missense changes on protein structure and function are either unavailable or do not agree on the potential impact of this missense change. The variant allele was found at a frequency of 1.2e-05 in 251288 control chromosomes. The available data on variant occurrences in the general population are insufficient to allow any conclusion about variant significance. To our knowledge, no occurrence of c.1222G>A in individuals affected with ZEB2-related conditions and no experimental evidence demonstrating its impact on protein function have been reported. ClinVar contains an entry for this variant (Variation ID: 572911). Based on the evidence outlined above, the variant was classified as uncertain significance.

Labcorp Genetics (formerly Invitae), Labcorp
Classification: Likely benign for Mowat-Wilson syndrome. Last evaluated: 2024-10-22. Review status: criteria provided, single submitter. Criteria: Invitae Variant Classification Sherloc (09022015). Collection method: clinical testing. Allele origin: germline.